The following is an entry in ClinVar:

ClinVar aggregate classification (germline): Benign/Likely benign. Review status: criteria provided, multiple submitters, no conflicts (2 of 4 stars). 5 submissions from 5 submitters: Benign (1); Likely benign (3). 1 of the submissions does not count toward it. Last evaluated 2026-01-01.

Conditions:
Inborn genetic diseases. Identifiers: MedGen C0950123, MeSH D030342.
ANKRD26-related disorder. Also called: ANKRD26-related condition.
Thrombocytopenia 2 (THC2). Also called: ANKRD26-Related Thrombocytopenia. Identifiers: Orphanet 268322, MedGen C1861185, MONDO:0008555, OMIM 188000.

Allele frequency attached by ClinVar (database versions not stated): TOPMed 0.00006; ESP Exome Variant Server 0.00009; ExAC 0.00012; gnomAD 0.00013; gnomAD exomes 0.00013.
gnomAD v4.1: 209 of 1,604,192 alleles (0.013%); highest among the groups gnomAD compares: Non-Finnish European, 0.013%; 1 homozygote.

Submissions (5):

Labcorp Genetics (formerly Invitae), Labcorp
Classification: Benign. Last evaluated: 2026-01-01. Review status: criteria provided, single submitter. Criteria: Invitae Variant Classification Sherloc (09022015). Collection method: clinical testing. Allele origin: germline.

Ambry Genetics
Classification: Likely benign for Inborn genetic diseases. Last evaluated: 2024-11-18. Review status: criteria provided, single submitter. Criteria: Ambry Variant Classification Scheme 2023. Collection method: clinical testing. Allele origin: germline.

ARUP Laboratories, Molecular Genetics and Genomics, ARUP Laboratories
Classification: Likely benign for Thrombocytopenia 2. Last evaluated: 2024-09-12. Review status: criteria provided, single submitter. Criteria: ARUP Molecular Germline Variant Investigation Process 2024. Collection method: clinical testing. Allele origin: germline.

CeGaT Center for Human Genetics Tuebingen
Classification: Likely benign. Last evaluated: 2024-08-01. Review status: criteria provided, single submitter. Criteria: CeGaT Center For Human Genetics Tuebingen Variant Classification Criteria Version 2. Collection method: clinical testing. Allele origin: germline. Affected: yes. Observed: 1 variant allele.
Comment: ANKRD26: BP4, BP7

PreventionGenetics, part of Exact Sciences
Classification: Likely benign for ANKRD26-related condition. Last evaluated: 2024-07-02. Review status: no assertion criteria provided. Collection method: clinical testing. Allele origin: germline. Not counted in ClinVar's aggregate classification.
Comment: This variant is classified as likely benign based on ACMG/AMP sequence variant interpretation guidelines (Richards et al. 2015 PMID: 25741868, with internal and published modifications).

NM_014915.3(ANKRD26):c.648A>G (p.Gln216=)

Gene: ANKRD26 (ankyrin repeat domain 26; minus strand). Cytogenetic location: 10p12.1.
Variant type: single nucleotide variant.
Coding change: c.648A>G on transcript NM_014915.3 (MANE Select); coding-DNA position 648, A replaced by G.
Protein change: p.Gln216=; no amino-acid change (glutamine 216 retained).
Molecular consequence: synonymous variant.
Genome position (GRCh38, 1-based): chr10:27,086,600, T>C on the plus strand (A>G on the coding strand, the complement: ANKRD26 is on the minus strand). VCF-style: chr10-27086600-T-C. GRCh37 (hg19) VCF-style: chr10-27375529-T-C.
Other names: c.648A>G, p.Gln216= (NM_001256053.2).
Identifiers: ClinVar variation 2169616 (VCV002169616.22), dbSNP rs377535525, ClinGen allele CA5448849.